The following is an entry in ClinVar:

NM_001122752.2(SERPINI1):c.646A>G (p.Met216Val)

Gene: SERPINI1 (serpin family I member 1; plus strand). Cytogenetic location: 3q26.1.
Variant type: single nucleotide variant.
Coding change: c.646A>G on transcript NM_001122752.2 (MANE Select); coding-DNA position 646, A replaced by G.
Protein change: p.Met216Val; replaces methionine 216 with valine.
Molecular consequence: missense variant.
Genome position (GRCh38, 1-based): chr3:167,792,754, A>G. VCF-style: chr3-167792754-A-G. GRCh37 (hg19) VCF-style: chr3-167510542-A-G.
Other names: c.646A>G, p.Met216Val (NM_005025.5); short protein forms M216V.
Identifiers: ClinVar variation 2155619 (VCV002155619.4), dbSNP rs1252522258, ClinGen allele CA355156798.

ClinVar aggregate classification (germline): Uncertain significance (1 of 4 stars; one submission).

Conditions:
Familial encephalopathy with neuroserpin inclusion bodies. Also called: ENCEPHALOPATHY, FAMILIAL, WITH COLLINS BODIES. Identifiers: Orphanet 85110, MedGen C1858680, MONDO:0011412, OMIM 604218.

gnomAD v4.1: 6 of 1,613,792 alleles (0.00037%); highest among the groups gnomAD compares: Non-Finnish European, 0.00042%; no homozygotes.

Submission:

Labcorp Genetics (formerly Invitae), Labcorp
Classification: Uncertain significance for Familial encephalopathy with neuroserpin inclusion bodies. Last evaluated: 2022-04-09. Review status: criteria provided, single submitter. Criteria: Invitae Variant Classification Sherloc (09022015). Collection method: clinical testing. Allele origin: germline.
Comment: This sequence change replaces methionine, which is neutral and non-polar, with valine, which is neutral and non-polar, at codon 216 of the SERPINI1 protein (p.Met216Val). This variant is present in population databases (no rsID available, gnomAD 0.0009%). This variant has not been reported in the literature in individuals affected with SERPINI1-related conditions. Advanced modeling of protein sequence and biophysical properties (such as structural, functional, and spatial information, amino acid conservation, physicochemical variation, residue mobility, and thermodynamic stability) performed at Invitae indicates that this missense variant is expected to disrupt SERPINI1 protein function. In summary, the available evidence is currently insufficient to determine the role of this variant in disease. Therefore, it has been classified as a Variant of Uncertain Significance.